The following is an entry in ClinVar:

NM_000525.4(KCNJ11):c.100C>T (p.Arg34Cys)

Gene: KCNJ11 (potassium inwardly rectifying channel subfamily J member 11; minus strand). Cytogenetic location: 11p15.1.
Variant type: single nucleotide variant.
Coding change: c.100C>T on transcript NM_000525.4 (MANE Select); coding-DNA position 100, C replaced by T.
Protein change: p.Arg34Cys; replaces arginine 34 with cysteine.
Molecular consequence: missense variant. On other transcripts: intron variant (3).
Genome position (GRCh38, 1-based): chr11:17,387,992, G>A on the plus strand (C>T on the coding strand, the complement: KCNJ11 is on the minus strand). VCF-style: chr11-17387992-G-A. GRCh37 (hg19) VCF-style: chr11-17409539-G-A.
Other names: c.-16-146C>T (NM_001166290.2, NM_001377297.1); c.-17+26C>T (NM_001377296.1); short protein forms R34C.
Identifiers: ClinVar variation 557416 (VCV000557416.15), dbSNP rs954727530, ClinGen allele CA218400169.
Genomic context (GRCh38, chr11:17,387,992, plus strand): 5'-GGCCCTGCTCCCGGATGTTCTTGTGGGCCACGTTGCAGTTGCCTTTCTTGGACACAAAGC[G>A]GGCCCTCCGCTGGCGGGCACGGTACCTGGGCTTGGCAGGGTCCTCTGCCAGGCGTGTCAG-3'
Protein context (NP_000516.3, residues 24-44): PRYRARQRRA[Arg34Cys]FVSKKGNCNV

ClinVar aggregate classification (germline): Pathogenic/Likely pathogenic. Review status: criteria provided, multiple submitters, no conflicts (2 of 4 stars). 7 submissions from 7 submitters: Pathogenic (1); Likely pathogenic (5). 1 of the submissions does not count toward it. Last evaluated 2025-10-03.

Conditions:
Familial hyperinsulinism. Also called: Congenital hyperinsulinism. Identifiers: Orphanet 276525, MedGen C3888018, MONDO:0017182. Disease mechanism: loss of function.
Monogenic diabetes. Identifiers: Orphanet 183625, MedGen C3888631, MONDO:0015967.
Permanent neonatal diabetes mellitus (PNDM). Identifiers: Orphanet 99885, MedGen C1833104, MONDO:0100164, MONDO:0011643. Disease mechanism: gain of function.
Diabetes mellitus, transient neonatal, 3 (TNDM3). Identifiers: Orphanet 99886, MedGen C1864623, MONDO:0012522, OMIM 610582. Disease mechanism: loss of function.
Hyperinsulinemic hypoglycemia, familial, 2. Also called: HYPERINSULINEMIC HYPOGLYCEMIA, PERSISTENT; HYPERINSULINISM, NEONATAL. Identifiers: Orphanet 276580, Orphanet 276603, MedGen C2931833, MONDO:0011153, OMIM 601820. Disease mechanism: loss of function.
Permanent neonatal diabetes mellitus 1. Also called: GCK-Related Permanent Neonatal Diabetes Mellitus. Identifiers: MedGen C5393570, MONDO:0100165, OMIM 606176.
Type 2 diabetes mellitus. Also called: Type II diabetes mellitus. Identifiers: MedGen C0011860, MeSH D003924, MONDO:0005148, OMIM 125853, HP:0005978.

Allele frequency attached by ClinVar (database versions not stated): gnomAD exomes below 0.00001; gnomAD 0.00001; TOPMed 0.00001.
gnomAD v4.1: 5 of 1,613,782 alleles (0.00031%); highest among the groups gnomAD compares: Admixed American, 0.0033%; no homozygotes.

Submissions (7):

Natera, Inc.
Classification: Likely pathogenic for Permanent neonatal diabetes mellitus. Last evaluated: 2025-10-03. Review status: criteria provided, single submitter. Criteria: Natera Variant Classification Schema (03/2026). Collection method: clinical testing. Allele origin: germline.
Comment: The c.100C>T variant in KCNJ11 is a missense variant predicted to cause substitution of arginine to cysteine at amino acid 34. This variant is rare in the general population with a frequency below the threshold expected for the associated phenotype(s). This variant has been observed in affected individual(s) with monoallelic occurrence (heterozygous/hemizygous) (PMID: 17446535, 23275527). Functional studies show that this variant may disrupt protein function (PMID: 12524280). A different variant at the same position has been determined to be Pathogenic or Likely Pathogenic. Computational prediction algorithms indicate this variant is likely to affect gene or protein function. Given the available evidence, this variant is classified as Likely Pathogenic.

Women's Health and Genetics/Laboratory Corporation of America, LabCorp
Classification: Likely pathogenic for Familial hyperinsulinism. Last evaluated: 2025-06-26. Review status: criteria provided, single submitter. Criteria: LabCorp Variant Classification Summary - May 2015. Collection method: clinical testing. Allele origin: germline.
Comment: Variant summary: KCNJ11 c.100C>T (p.Arg34Cys) results in a non-conservative amino acid change in the encoded protein sequence. Algorithms developed to predict the effect of missense changes on protein structure and function all suggest that this variant is likely to be disruptive. The variant allele was found at a frequency of 4e-06 in 251146 control chromosomes. c.100C>T has been observed in individual(s) affected with Neonatal Diabetes Mellitus and Congenital Hyperinsulinism (examples: Flanagan_2007, Snider_2013, Salomon-Estebanez_2016). These data indicate that the variant may be associated with disease. At least one publication provides experimental evidence evaluating the impact on protein function. The most pronounced effect of the variant was the prevention of channel insertion into the plasma membrane, suggesting that this residue may play a role in the assembly of functional channels (Ribalet_2003). A different variant affecting the same codon has been classified as likely pathogenic (c.101G>A, p.Arg34His), supporting the critical relevance of codon 34 to KCNJ11 protein function. The following publications have been ascertained in the context of this evaluation (PMID: 17446535, 18436707, 18767144, 12524280, 23275527, 27908292). ClinVar contains an entry for this variant (Variation ID: 557416). Based on the evidence outlined above, the variant was classified as likely pathogenic.

Baylor Genetics
Classification: Likely pathogenic for Type 2 diabetes mellitus. Last evaluated: 2024-01-01. Review status: criteria provided, single submitter. Criteria: ACMG Guidelines, 2015. Collection method: clinical testing. Allele origin: unknown.

Labcorp Genetics (formerly Invitae), Labcorp
Classification: Pathogenic. Last evaluated: 2023-07-25. Review status: criteria provided, single submitter. Criteria: Invitae Variant Classification Sherloc (09022015). Collection method: clinical testing. Allele origin: germline.
Comment: This sequence change replaces arginine, which is basic and polar, with cysteine, which is neutral and slightly polar, at codon 34 of the KCNJ11 protein (p.Arg34Cys). This variant is present in population databases (no rsID available, gnomAD 0.003%). This missense change has been observed in individuals with autosomal recessive familial hyperinsulinism (PMID: 23275527, 27908292). ClinVar contains an entry for this variant (Variation ID: 557416). Advanced modeling of protein sequence and biophysical properties (such as structural, functional, and spatial information, amino acid conservation, physicochemical variation, residue mobility, and thermodynamic stability) performed at Invitae indicates that this missense variant is expected to disrupt KCNJ11 protein function. Experimental studies have shown that this missense change affects KCNJ11 function (PMID: 12524280, 23275527). This variant disrupts the p.Arg34 amino acid residue in KCNJ11. Other variant(s) that disrupt this residue have been determined to be pathogenic (PMID: 15807877, 24421282, 24686051). This suggests that this residue is clinically significant, and that variants that disrupt this residue are likely to be disease-causing. For these reasons, this variant has been classified as Pathogenic.

Athena Diagnostics
Classification: Likely pathogenic. Last evaluated: 2023-04-07. Review status: criteria provided, single submitter. Criteria: Athena Diagnostics Criteria. Collection method: clinical testing. Allele origin: unknown.
Comment: The frequency of this variant in the general population is consistent with pathogenicity. This variant has been identified in individuals with transient neonatal diabetes and others with focal congenital hyperinsulinism. Assessment of experimental evidence suggests this variant results in abnormal protein function. (PMID: 12524280)

Molecular Genetics, Royal Melbourne Hospital
Classification: Likely pathogenic for Monogenic diabetes. Last evaluated: 2023-03-30. Review status: criteria provided, single submitter. Criteria: ACMG Guidelines, 2015. Collection method: clinical testing. Allele origin: germline. Affected: yes.
Comment: This sequence change is predicted to replace arginine with cysteine at codon 34 of the KCNJ11 protein, p.(Arg34Cys). The arginine residue is highly conserved (100 vertebrates, UCSC), and is located in the cytoplasmic N-terminus domain. There is a large physicochemical difference between arginine and cysteine. The variant is present in a large population cohort at an allele frequency of 0.0004% (rs954727530, 1/250,946 alleles in gnomAD v2.1). KCNJ11 has a low tolerance for missense variation and missense change is the predominant mutational mechanism (gnomAD v2.1, DECIPHER, ClinVar). Three probands have been described with this variant with transient neonatal diabetes and congenital hyperinsulinism (PMID: 27908292; 23275527; 17446535). Expression studies show a defect in trafficking (PMID: 12524280). Multiple lines of computational evidence predict a deleterious effect for the missense substitution (6/6 algorithms). An alternate change at the same amino acid residue determine to be pathogenic, p.(Arg34His), has been reported in individuals with congenital hyperinsulinism in monoallelic and biallelic forms (PMID: 31218401, 28270372, 24421282, 24686051, 20685672). Based on the classification scheme RMH ACMG Guidelines v1.2.1, this variant is classified as LIKELY PATHOGENIC. Following criteria are met: PM2, PM5, PS3_Supporting, PS4_Supporting, PP2, PP3.

Counsyl
Classification: Likely pathogenic for Hyperinsulinemic hypoglycemia, familial, 2; Permanent neonatal diabetes mellitus 1; Diabetes mellitus, transient neonatal, 3. Last evaluated: 2018-03-24. Review status: no assertion criteria provided. Collection method: clinical testing. Allele origin: unknown. Not counted in ClinVar's aggregate classification.

Literature cited by the submitters: PubMed 17446535 (cited by 4 submitters); PubMed 23275527 (cited by 5 submitters); PubMed 12524280 (cited by 6 submitters); PubMed 18436707 (cited by Women's Health and Genetics/Laboratory Corporation of America, LabCorp); PubMed 18767144 (cited by Women's Health and Genetics/Laboratory Corporation of America, LabCorp); PubMed 27908292 (cited by 5 submitters); PubMed 15807877 (cited by Labcorp Genetics (formerly Invitae), Labcorp); PubMed 24421282 (cited by Labcorp Genetics (formerly Invitae), Labcorp and Molecular Genetics, Royal Melbourne Hospital); PubMed 24686051 (cited by Labcorp Genetics (formerly Invitae), Labcorp and Molecular Genetics, Royal Melbourne Hospital); PubMed 33046911 (cited by Athena Diagnostics); PubMed 20685672 (cited by Molecular Genetics, Royal Melbourne Hospital); PubMed 28270372 (cited by Molecular Genetics, Royal Melbourne Hospital); PubMed 31218401 (cited by Molecular Genetics, Royal Melbourne Hospital).